The following is an entry in ClinVar:

NM_020549.5(CHAT):c.1839+3G>A

Gene: CHAT (choline O-acetyltransferase; plus strand). Cytogenetic location: 10q11.23.
Variant type: single nucleotide variant.
Coding change: c.1839+3G>A on transcript NM_020549.5 (MANE Select); 3 bases into the intron after coding-DNA position 1839, G replaced by A.
Molecular consequence: intron variant.
Genome position (GRCh38, 1-based): chr10:49,655,451, G>A. VCF-style: chr10-49655451-G-A. GRCh37 (hg19) VCF-style: chr10-50863497-G-A.
Other names: c.1485+3G>A (NM_020984.4, NM_020985.4, NM_020986.4 and 2 more transcripts); c.1593+3G>A (NM_001142933.2).
Identifiers: ClinVar variation 857342 (VCV000857342.5), dbSNP rs1840006511, ClinGen allele CA912969889.

ClinVar aggregate classification (germline): Uncertain significance (1 of 4 stars; one submission).

Conditions:
Familial infantile myasthenia (CMS6). Also called: Congenital myasthenic syndrome type 6; MYASTHENIC SYNDROME, PRESYNAPTIC, CONGENITAL, ASSOCIATED WITH EPISODIC APNEA; MYASTHENIC SYNDROME, CONGENITAL, 6, PRESYNAPTIC. Identifiers: Orphanet 590, MedGen C0393929, MONDO:0009689, OMIM 254210.

Allele frequency attached by ClinVar (database versions not stated): gnomAD exomes below 0.00001.
gnomAD v4.1: 2 of 1,613,580 alleles (0.00012%); highest among the groups gnomAD compares: Non-Finnish European, 0.00017%; no homozygotes.

Submission:

Labcorp Genetics (formerly Invitae), Labcorp
Classification: Uncertain significance for Familial infantile myasthenia. Last evaluated: 2019-02-14. Review status: criteria provided, single submitter. Criteria: Invitae Variant Classification Sherloc (09022015). Collection method: clinical testing. Allele origin: germline.
Comment: This sequence change falls in intron 13 of the CHAT gene. It does not directly change the encoded amino acid sequence of the CHAT protein, but it affects a nucleotide within the consensus splice site of the intron. This variant is not present in population databases (ExAC no frequency). This variant has not been reported in the literature in individuals with CHAT-related conditions. Nucleotide substitutions within the consensus splice site are a relatively common cause of aberrant splicing (PMID: 17576681, 9536098). Algorithms developed to predict the effect of sequence changes on RNA splicing suggest that this variant is not likely to affect RNA splicing, but this prediction has not been confirmed by published transcriptional studies. In summary, the available evidence is currently insufficient to determine the role of this variant in disease. Therefore, it has been classified as a Variant of Uncertain Significance.

Literature cited by the submitters: PubMed 17576681; PubMed 9536098.